The following is an entry in ClinVar:

NM_001384474.1(LOXHD1):c.884-4C>A

Gene: LOXHD1 (lipoxygenase homology PLAT domains 1; minus strand). Cytogenetic location: 18q21.1.
Variant type: single nucleotide variant.
Coding change: c.884-4C>A on transcript NM_001384474.1 (MANE Select); 4 bases into the intron before coding-DNA position 884, C replaced by A.
Molecular consequence: intron variant.
Genome position (GRCh38, 1-based): chr18:46,601,471, G>T on the plus strand (C>A on the coding strand, the complement: LOXHD1 is on the minus strand). VCF-style: chr18-46601471-G-T. GRCh37 (hg19) VCF-style: chr18-44181434-G-T.
Other names: c.884-4C>A (NM_144612.6, NM_144612.7).
Identifiers: ClinVar variation 2920453 (VCV002920453.5), dbSNP rs1457228862, ClinGen allele CA503986158.

ClinVar aggregate classification (germline): Likely benign. Review status: criteria provided, single submitter (1 of 4 stars). 2 submissions from 2 submitters: Likely benign (1). 1 of the submissions does not count toward it. Last evaluated 2023-08-29.

Conditions:
LOXHD1-related disorder. Also called: LOXHD1-related condition.

gnomAD v4.1: 29 of 1,551,776 alleles (0.0019%); highest among the groups gnomAD compares: African/African-American, 0.026%; 1 homozygote.

Submissions (2):

Labcorp Genetics (formerly Invitae), Labcorp
Classification: Likely benign. Last evaluated: 2023-08-29. Review status: criteria provided, single submitter. Criteria: Invitae Variant Classification Sherloc (09022015). Collection method: clinical testing. Allele origin: germline.

PreventionGenetics, part of Exact Sciences
Classification: Likely benign for LOXHD1-related condition. Last evaluated: 2022-06-30. Review status: no assertion criteria provided. Collection method: clinical testing. Allele origin: germline. Not counted in ClinVar's aggregate classification.
Comment: This variant is classified as likely benign based on ACMG/AMP sequence variant interpretation guidelines (Richards et al. 2015 PMID: 25741868, with internal and published modifications).